The following is an entry in ClinVar:

NM_001283009.2(RTEL1):c.1800+5G>A

Genes: RTEL1 (regulator of telomere elongation helicase 1; plus strand), RTEL1-TNFRSF6B (RTEL1-TNFRSF6B readthrough (NMD candidate); plus strand). Cytogenetic location: 20q13.33.
Variant type: single nucleotide variant.
Coding change: c.1800+5G>A on transcript NM_001283009.2 (MANE Select); 5 bases into the intron after coding-DNA position 1800, G replaced by A.
Molecular consequence: intron variant.
Genome position (GRCh38, 1-based): chr20:63,688,610, G>A. VCF-style: chr20-63688610-G-A. GRCh37 (hg19) VCF-style: chr20-62319963-G-A.
Other names: c.1131+5G>A (NM_001283010.1); c.1872+5G>A (NM_032957.5); c.1800+5G>A (NM_016434.4).
Identifiers: ClinVar variation 2179456 (VCV002179456.3), dbSNP rs374365077, ClinGen allele CA9964980.

ClinVar aggregate classification (germline): Uncertain significance (1 of 4 stars; one submission).

Conditions:
Pulmonary fibrosis and/or bone marrow failure, Telomere-related, 3. Also called: PULMONARY FIBROSIS AND/OR BONE MARROW FAILURE SYNDROME, TELOMERE-RELATED, 3. Identifiers: Orphanet 2032, MedGen C4225346, MONDO:0014613, OMIM 616373.
Dyskeratosis congenita, autosomal recessive 5 (DKCB5). Identifiers: MedGen C3554656, MONDO:0014076, OMIM 615190.

Allele frequency attached by ClinVar (database versions not stated): gnomAD 0.00001; TOPMed 0.00001; ExAC 0.00003; ESP Exome Variant Server 0.00015.

Submission:

Labcorp Genetics (formerly Invitae), Labcorp
Classification: Uncertain significance for Dyskeratosis congenita, autosomal recessive 5; Pulmonary fibrosis and/or bone marrow failure, Telomere-related, 3. Last evaluated: 2024-08-14. Review status: criteria provided, single submitter. Criteria: Invitae Variant Classification Sherloc (09022015). Collection method: clinical testing. Allele origin: germline.
Comment: This sequence change falls in intron 21 of the RTEL1 gene. It does not directly change the encoded amino acid sequence of the RTEL1 protein. It affects a nucleotide within the consensus splice site. The frequency data for this variant in the population databases is considered unreliable, as metrics indicate poor data quality at this position in the gnomAD database. This variant has not been reported in the literature in individuals affected with RTEL1-related conditions. ClinVar contains an entry for this variant (Variation ID: 2179456). Variants that disrupt the consensus splice site are a relatively common cause of aberrant splicing (PMID: 17576681, 9536098). Algorithms developed to predict the effect of sequence changes on RNA splicing suggest that this variant may disrupt the consensus splice site. In summary, the available evidence is currently insufficient to determine the role of this variant in disease. Therefore, it has been classified as a Variant of Uncertain Significance.

Literature cited by the submitters: PubMed 17576681; PubMed 9536098.